The following is an entry in ClinVar:

NM_004944.4(DNASE1L3):c.141+2T>C

Gene: DNASE1L3 (deoxyribonuclease 1L3; minus strand). Cytogenetic location: 3p14.3.
Variant type: single nucleotide variant.
Coding change: c.141+2T>C on transcript NM_004944.4 (MANE Select); the canonical splice donor site of the intron after coding-DNA position 141, T replaced by C.
Molecular consequence: splice donor variant.
Genome position (GRCh38, 1-based): chr3:58,210,764, A>G on the plus strand (T>C on the coding strand, the complement: DNASE1L3 is on the minus strand). VCF-style: chr3-58210764-A-G. GRCh37 (hg19) VCF-style: chr3-58196491-A-G.
Other names: c.141+2T>C (NM_001256560.2).
Identifiers: ClinVar variation 3022731 (VCV003022731.3), dbSNP rs2471321157, ClinGen allele CA353341546.

ClinVar aggregate classification (germline): Likely pathogenic (1 of 4 stars; one submission).

Allele frequency attached by ClinVar (database versions not stated): gnomAD exomes below 0.00001.
gnomAD v4.1: 1 of 1,614,076 alleles (0.000062%); highest among the groups gnomAD compares: Non-Finnish European, 0.000085%; no homozygotes.

Submission:

Labcorp Genetics (formerly Invitae), Labcorp
Classification: Likely pathogenic. Last evaluated: 2023-12-20. Review status: criteria provided, single submitter. Criteria: Invitae Variant Classification Sherloc (09022015). Collection method: clinical testing. Allele origin: germline.
Comment: This sequence change affects a donor splice site in intron 1 of the DNASE1L3 gene. It is expected to disrupt RNA splicing. Variants that disrupt the donor or acceptor splice site typically lead to a loss of protein function (PMID: 16199547), and loss-of-function variants in DNASE1L3 are known to be pathogenic (PMID: 24206041, 27821515). This variant is not present in population databases (gnomAD no frequency). This variant has not been reported in the literature in individuals affected with DNASE1L3-related conditions. Algorithms developed to predict the effect of sequence changes on RNA splicing suggest that this variant may disrupt the consensus splice site. In summary, the currently available evidence indicates that the variant is pathogenic, but additional data are needed to prove that conclusively. Therefore, this variant has been classified as Likely Pathogenic.

Literature cited by the submitters: PubMed 16199547; PubMed 24206041; PubMed 27821515.